The following is an entry in ClinVar:

ClinVar aggregate classification (germline): Uncertain significance. Review status: criteria provided, multiple submitters, no conflicts (2 of 4 stars). 2 submissions from 2 submitters: Uncertain significance (2). Last evaluated 2023-12-16.

Conditions:
Hereditary cancer-predisposing syndrome. Also called: Hereditary neoplastic syndrome; Neoplastic Syndromes, Hereditary; Hereditary Cancer Syndrome; Tumor predisposition. Identifiers: Orphanet 140162, MedGen C0027672, MeSH D009386, MONDO:0015356.
Multiple endocrine neoplasia, type 2 (MEN2). Identifiers: Orphanet 653, MedGen C4048306, MONDO:0019003. Disease mechanism: gain of function.

Allele frequency attached by ClinVar (database versions not stated): ExAC 0.00001.

Submissions (2):

Ambry Genetics
Classification: Uncertain significance for Hereditary cancer-predisposing syndrome. Last evaluated: 2023-12-16. Review status: criteria provided, single submitter. Criteria: Ambry Variant Classification Scheme 2023. Collection method: clinical testing. Allele origin: germline.
Comment: The p.M1109V variant (also known as c.3325A>G), located in coding exon 20 of the RET gene, results from an A to G substitution at nucleotide position 3325. The methionine at codon 1109 is replaced by valine, an amino acid with highly similar properties. This amino acid position is conserved. In addition, this alteration is predicted to be tolerated by in silico analysis. Since supporting evidence is limited at this time, the clinical significance of this alteration remains unclear.

Labcorp Genetics (formerly Invitae), Labcorp
Classification: Uncertain significance for Multiple endocrine neoplasia, type 2. Last evaluated: 2022-08-08. Review status: criteria provided, single submitter. Criteria: Invitae Variant Classification Sherloc (09022015). Collection method: clinical testing. Allele origin: germline.
Comment: In summary, the available evidence is currently insufficient to determine the role of this variant in disease. Therefore, it has been classified as a Variant of Uncertain Significance. Algorithms developed to predict the effect of missense changes on protein structure and function (SIFT, PolyPhen-2, Align-GVGD) all suggest that this variant is likely to be tolerated. This variant has not been reported in the literature in individuals affected with RET-related conditions. This variant is present in population databases (rs759584544, gnomAD 0.0009%). This sequence change replaces methionine, which is neutral and non-polar, with valine, which is neutral and non-polar, at codon 1109 of the RET protein (p.Met1109Val).

NM_020975.6(RET):c.3325A>G (p.Met1109Val)

Gene: RET (ret proto-oncogene; plus strand). Cytogenetic location: 10q11.21.
Variant type: single nucleotide variant.
Coding change: c.3325A>G on transcript NM_020975.6 (MANE Select); coding-DNA position 3325, A replaced by G.
Protein change: p.Met1109Val; replaces methionine 1109 with valine.
Molecular consequence: missense variant.
Genome position (GRCh38, 1-based): chr10:43,128,249, A>G. VCF-style: chr10-43128249-A-G. GRCh37 (hg19) VCF-style: chr10-43623697-A-G.
Other names: c.3325A>G, p.Met1109Val (NM_000323.2, NM_001406743.1); c.*1495A>G (NM_001355216.2, NM_001406764.1, NM_001406765.1 and 15 more transcripts); c.3265A>G, p.Met1089Val (NM_001406759.1, NM_001406760.1); c.3196A>G, p.Met1066Val (NM_001406761.1, NM_001406762.1); c.3190A>G, p.Met1064Val (NM_001406763.1); c.3037A>G, p.Met1013Val (NM_001406766.1, NM_001406767.1); c.2929A>G, p.Met977Val (NM_001406769.1); c.2887A>G, p.Met963Val (NM_001406771.1); and 7 more; short protein forms M1013V, M1064V, M1089V, M963V, M1109V, M626V, M714V, M810V.
Identifiers: ClinVar variation 2196812 (VCV002196812.5), dbSNP rs759584544, ClinGen allele CA055085.